The following is an entry in ClinVar:

ClinVar aggregate classification (germline): Conflicting classifications of pathogenicity. Review status: criteria provided, conflicting classifications (1 of 4 stars). 2 submissions from 2 submitters: Pathogenic (1); Uncertain significance (1). Last evaluated 2021-12-17.

Conditions:
Developmental and epileptic encephalopathy, 29 (DEE29). Also called: Epileptic encephalopathy, early infantile, 29. Identifiers: Orphanet 442835, MedGen C4225361, MONDO:0014593, OMIM 616339.
Charcot-Marie-Tooth disease type 2. Also called: Charcot-Marie-Tooth type 2. Identifiers: Orphanet 64746, MedGen C0270914, MONDO:0018993.

Allele frequency attached by ClinVar (database versions not stated): gnomAD exomes below 0.00001; TOPMed below 0.00001; ExAC 0.00001.
gnomAD v4.1: 3 of 1,613,788 alleles (0.00019%); highest among the groups gnomAD compares: Non-Finnish European, 0.00017%; no homozygotes.

Submissions (2):

Labcorp Genetics (formerly Invitae), Labcorp
Classification: Uncertain significance for Charcot-Marie-Tooth disease type 2. Last evaluated: 2021-12-17. Review status: criteria provided, single submitter. Criteria: Invitae Variant Classification Sherloc (09022015). Collection method: clinical testing. Allele origin: germline.
Comment: In summary, the available evidence is currently insufficient to determine the role of this variant in disease. Therefore, it has been classified as a Variant of Uncertain Significance. Algorithms developed to predict the effect of sequence changes on RNA splicing suggest that this variant may create or strengthen a splice site. Algorithms developed to predict the effect of missense changes on protein structure and function (SIFT, PolyPhen-2, Align-GVGD) all suggest that this variant is likely to be disruptive. ClinVar contains an entry for this variant (Variation ID: 1036988). This variant has not been reported in the literature in individuals affected with AARS-related conditions. This variant is present in population databases (rs762734676, gnomAD 0.005%). This sequence change replaces glycine, which is neutral and non-polar, with serine, which is neutral and polar, at codon 581 of the AARS protein (p.Gly581Ser).

Simons Lab, The University of Queensland
Classification: Pathogenic for Developmental and epileptic encephalopathy, 29. Last evaluated: 2021-06-05. Review status: criteria provided, single submitter. Criteria: ACMG Guidelines, 2015. Collection method: clinical testing. Allele origin: germline. Inheritance: Autosomal recessive inheritance. Affected: yes. Observed: 1 variant allele, 1 homozygote.
Comment: PM2, PM3, PP3, PP4

NM_001605.3(AARS1):c.1741G>A (p.Gly581Ser)

Gene: AARS1 (alanyl-tRNA synthetase 1; minus strand). Cytogenetic location: 16q22.1.
Variant type: single nucleotide variant.
Coding change: c.1741G>A on transcript NM_001605.3 (MANE Select); coding-DNA position 1741, G replaced by A.
Protein change: p.Gly581Ser; replaces glycine 581 with serine.
Molecular consequence: missense variant.
Genome position (GRCh38, 1-based): chr16:70,261,088, C>T on the plus strand (G>A on the coding strand, the complement: AARS1 is on the minus strand). VCF-style: chr16-70261088-C-T. GRCh37 (hg19) VCF-style: chr16-70294991-C-T.
Other names: short protein forms G581S.
Identifiers: ClinVar variation 1036988 (VCV001036988.9), dbSNP rs762734676, ClinGen allele CA8140699.
Genomic context (GRCh38, chr16:70,261,088, plus strand): 5'-CAGTAACCCAACTCACCTCATCAATAAACAGCCAGACCTGATCCCCCACTTTCAGGTCAC[C>T]GTAGATGGTTCCAATGTGTAGCACATACCCTCCTCGGACCTGAGCATTCTTCACTGTAAA-3'
Protein context (NP_001596.2, residues 571-591): GYVLHIGTIY[Gly581Ser]DLKVGDQVWL